The following is an entry in ClinVar:

ClinVar aggregate classification (germline): Benign/Likely benign. Review status: criteria provided, multiple submitters, no conflicts (2 of 4 stars). 3 submissions from 3 submitters: Benign (1); Likely benign (1). 1 of the submissions does not count toward it. Last evaluated 2025-12-08.

Conditions:
PNPLA6-related disorder. Also called: PNPLA6-related condition; PNPLA6-related disorders.
Hereditary spastic paraplegia 39 (SPG39). Also called: Spastic Paraplegia Type 39 (SPG39); SPASTIC PARAPLEGIA 39, AUTOSOMAL RECESSIVE. Identifiers: Orphanet 139480, MedGen C2677586, MONDO:0012787, OMIM 612020.

Allele frequency attached by ClinVar (database versions not stated): TOPMed below 0.00001; 1000 Genomes Project 30x 0.00047; 1000 Genomes Project 0.00060.
gnomAD v4.1: 62 of 1,614,118 alleles (0.0038%); highest among the groups gnomAD compares: South Asian, 0.049%; 1 homozygote.

Submissions (3):

Labcorp Genetics (formerly Invitae), Labcorp
Classification: Benign for Hereditary spastic paraplegia 39. Last evaluated: 2025-12-08. Review status: criteria provided, single submitter. Criteria: Invitae Variant Classification Sherloc (09022015). Collection method: clinical testing. Allele origin: germline.

Blueprint Genetics
Classification: Likely benign. Last evaluated: 2019-02-21. Review status: criteria provided, single submitter. Criteria: ACMG Guidelines, 2015. Collection method: clinical testing. Allele origin: germline.

PreventionGenetics, part of Exact Sciences
Classification: Likely benign for PNPLA6-related condition. Last evaluated: 2022-11-21. Review status: no assertion criteria provided. Collection method: clinical testing. Allele origin: germline. Not counted in ClinVar's aggregate classification.
Comment: This variant is classified as likely benign based on ACMG/AMP sequence variant interpretation guidelines (Richards et al. 2015 PMID: 25741868, with internal and published modifications).

NM_001166114.2(PNPLA6):c.2415C>T (p.Leu805=)

Gene: PNPLA6 (patatin like domain 6, lysophospholipase; plus strand). Cytogenetic location: 19p13.2.
Variant type: single nucleotide variant.
Coding change: c.2415C>T on transcript NM_001166114.2 (MANE Select); coding-DNA position 2415, C replaced by T.
Protein change: p.Leu805=; no amino-acid change (leucine 805 retained).
Molecular consequence: synonymous variant.
Genome position (GRCh38, 1-based): chr19:7,554,222, C>T. VCF-style: chr19-7554222-C-T. GRCh37 (hg19) VCF-style: chr19-7619108-C-T.
Other names: c.2445C>T (NM_001166111.1); c.2445C>T, p.Leu815= (NM_001166111.2); c.2220C>T, p.Leu740= (NM_001166112.2); c.2301C>T, p.Leu767= (NM_001166113.1, NM_006702.5).
Identifiers: ClinVar variation 1167255 (VCV001167255.12), dbSNP rs535490318, ClinGen allele CA9140100.